The following is an entry in ClinVar:

ClinVar aggregate classification (germline): Uncertain significance (1 of 4 stars; one submission).

Conditions:
Epilepsy, childhood absence, susceptibility to, 5. Identifiers: Orphanet 64280, MedGen C2677087, MONDO:0012843, OMIM 612269.
Epilepsy, childhood absence, susceptibility to, 1. Also called: Epilepsy, childhood absence 1. Identifiers: Orphanet 64280, MedGen C1838604, MONDO:0020759, OMIM 600131.

Submission:

Labcorp Genetics (formerly Invitae), Labcorp
Classification: Uncertain significance for Epilepsy, childhood absence, susceptibility to, 5; Epilepsy, childhood absence, susceptibility to, 1. Last evaluated: 2023-08-30. Review status: criteria provided, single submitter. Criteria: Invitae Variant Classification Sherloc (09022015). Collection method: clinical testing. Allele origin: germline.
Comment: In summary, the available evidence is currently insufficient to determine the role of this variant in disease. Therefore, it has been classified as a Variant of Uncertain Significance. This sequence change replaces valine, which is neutral and non-polar, with phenylalanine, which is neutral and non-polar, at codon 224 of the GABRB3 protein (p.Val224Phe). This variant is not present in population databases (gnomAD no frequency). This variant has not been reported in the literature in individuals affected with GABRB3-related conditions. ClinVar contains an entry for this variant (Variation ID: 1714908). Advanced modeling of protein sequence and biophysical properties (such as structural, functional, and spatial information, amino acid conservation, physicochemical variation, residue mobility, and thermodynamic stability) has been performed at Invitae for this missense variant, however the output from this modeling did not meet the statistical confidence thresholds required to predict the impact of this variant on GABRB3 protein function.

NM_000814.6(GABRB3):c.670G>T (p.Val224Phe)

Gene: GABRB3 (gamma-aminobutyric acid type A receptor subunit beta3; minus strand). Cytogenetic location: 15q12.
Variant type: single nucleotide variant.
Coding change: c.670G>T on transcript NM_000814.6 (MANE Select); coding-DNA position 670, G replaced by T.
Protein change: p.Val224Phe; replaces valine 224 with phenylalanine.
Molecular consequence: missense variant.
Genome position (GRCh38, 1-based): chr15:26,580,331, C>A on the plus strand (G>T on the coding strand, the complement: GABRB3 is on the minus strand). VCF-style: chr15-26580331-C-A. GRCh37 (hg19) VCF-style: chr15-26825478-C-A.
Other names: c.415G>T, p.Val139Phe (NM_001191320.2, NM_001278631.2); c.457G>T, p.Val153Phe (NM_001191321.3); c.670G>T, p.Val224Phe (NM_021912.5); short protein forms V139F, V153F, V224F.
Identifiers: ClinVar variation 1714908 (VCV001714908.5), dbSNP rs2504204768, ClinGen allele CA391463911.